The following is an entry in ClinVar:

NM_002637.4(PHKA1):c.2422G>A (p.Glu808Lys)

Gene: PHKA1 (phosphorylase kinase regulatory subunit alpha 1; minus strand). Cytogenetic location: Xq13.1.
Variant type: single nucleotide variant.
Coding change: c.2422G>A on transcript NM_002637.4 (MANE Select); coding-DNA position 2422, G replaced by A.
Protein change: p.Glu808Lys; replaces glutamic acid 808 with lysine.
Molecular consequence: missense variant.
Genome position (GRCh38, 1-based): chrX:72,611,132, C>T on the plus strand (G>A on the coding strand, the complement: PHKA1 is on the minus strand). VCF-style: chrX-72611132-C-T. GRCh37 (hg19) VCF-style: chrX-71830982-C-T.
Other names: c.2422G>A, p.Glu808Lys (NM_001122670.2); c.2245G>A, p.Glu749Lys (NM_001172436.2); short protein forms E749K, E808K.
Identifiers: ClinVar variation 2003151 (VCV002003151.4), dbSNP rs2522445332, ClinGen allele CA413590210.
Genomic context (GRCh38, chrX:72,611,132, plus strand): 5'-ATCGGATCAGGCCCCAGTGACGAATTTCTCCCACTTTGCCATACAGCTCGGTAAGAAGCT[C>T]TCTCACTGTAGCACTCCGTTCATTATACAATTCAGTGTTCCAGTCAGGTCCTCTAGAATT-3'
Protein context (NP_002628.2, residues 798-818): LYNERSATVR[Glu808Lys]LLTELYGKVG

ClinVar aggregate classification (germline): Uncertain significance (1 of 4 stars; one submission).

Conditions:
Glycogen storage disease IXd (GSD9D). Also called: Muscle Phosphorylase Kinase Deficiency; GSD IXd. Identifiers: Orphanet 715, MedGen C1845151, MONDO:0010362, OMIM 300559.

Submission:

Labcorp Genetics (formerly Invitae), Labcorp
Classification: Uncertain significance for Glycogen storage disease IXd. Last evaluated: 2022-06-07. Review status: criteria provided, single submitter. Criteria: Invitae Variant Classification Sherloc (09022015). Collection method: clinical testing. Allele origin: germline.
Comment: This variant has not been reported in the literature in individuals affected with PHKA1-related conditions. This sequence change replaces glutamic acid, which is acidic and polar, with lysine, which is basic and polar, at codon 808 of the PHKA1 protein (p.Glu808Lys). This variant is not present in population databases (gnomAD no frequency). Algorithms developed to predict the effect of missense changes on protein structure and function (SIFT, PolyPhen-2, Align-GVGD) all suggest that this variant is likely to be tolerated. In summary, the available evidence is currently insufficient to determine the role of this variant in disease. Therefore, it has been classified as a Variant of Uncertain Significance.